The following is an entry in ClinVar:

ClinVar aggregate classification (germline): Uncertain significance. Review status: criteria provided, multiple submitters, no conflicts (2 of 4 stars). 4 submissions from 4 submitters: Uncertain significance (4). Last evaluated 2025-09-12.

Conditions:
Arrhythmogenic cardiomyopathy with wooly hair and keratoderma. Also called: PALMOPLANTAR KERATODERMA WITH LEFT VENTRICULAR CARDIOMYOPATHY AND WOOLLY HAIR; Carvajal syndrome; Dilated cardiomyopathy with woolly hair and keratoderma; Arrhythmogenic cardiomyopathy with woolly hair and keratoderma. Identifiers: Orphanet 65282, MedGen C1854063, MONDO:0011581, OMIM 605676.
Cardiovascular phenotype. Identifiers: MedGen CN230736.
Cardiomyopathy (CMYO). Also called: Cardiomyopathies. Identifiers: Orphanet 167848, MedGen C0878544, MONDO:0004994, HP:0001638. Inheritance: Various modes of inheritance.

Submissions (4):

Color Diagnostics, LLC DBA Color Health
Classification: Uncertain significance for Cardiomyopathy. Last evaluated: 2025-09-12. Review status: criteria provided, single submitter. Criteria: ACMG Guidelines, 2015. Collection method: clinical testing. Allele origin: germline.
Comment: This variant causes an in-frame deletion of two amino acids at codons 1568 and 1569 in the DSP protein. To our knowledge, functional studies have not been reported for this variant. This variant has been reported in an individual affected with hypertrophic cardiomyopathy and dilated cardiomyopathy (PMID: 30165862). This variant has not been identified in the general population by the Genome Aggregation Database (gnomAD). The available evidence is insufficient to determine the role of this variant in disease conclusively. Therefore, this variant is classified as a Variant of Uncertain Significance.

Ambry Genetics
Classification: Uncertain significance for Cardiovascular phenotype. Last evaluated: 2024-12-12. Review status: criteria provided, single submitter. Criteria: Ambry Variant Classification Scheme 2023. Collection method: clinical testing. Allele origin: germline.
Comment: The c.4702_4707delCTGCAG variant (also known as p.L1568_Q1569del), located in coding exon 23 of the DSP gene, results from an in-frame CTGCAG deletion at nucleotide positions 4702 to 4707. This results in the in-frame deletion of two amino acids at codons 1568 and 1569. This variant was reported in individual(s) with features consistent with hypertrophic and dilated cardiomyopathy (Lu C et al. J Transl Med, 2018 Aug;16:241). These amino acid positions are not well conserved in available vertebrate species. In addition, the in silico prediction for this alteration is inconclusive (Choi Y et al. PLoS ONE. 2012; 7(10):e46688). Based on the available evidence, the clinical significance of this variant remains unclear.

All of Us Research Program, National Institutes of Health
Classification: Uncertain significance for Arrhythmogenic cardiomyopathy with wooly hair and keratoderma. Last evaluated: 2023-11-20. Review status: criteria provided, single submitter. Criteria: ACMG Guidelines, 2015. Collection method: clinical testing. Allele origin: germline. Inheritance: Autosomal dominant inheritance. Observed: 3 variant alleles, 3 heterozygotes.
Comment: This variant causes an in-frame deletion of two amino acids in the DSP protein. To our knowledge, functional studies have not been reported for this variant. This variant has been reported in one individual affected with hypertrophic cardiomyopathy and dilated cardiomyopathy (PMID: 30165862). This variant has not been identified in the general population by the Genome Aggregation Database (gnomAD). The available evidence is insufficient to determine the role of this variant in disease conclusively. Therefore, this variant is classified as a Variant of Uncertain Significance.

This study involves interpretation of variants in research participants for the purpose of population health screening. Participant phenotype was not available at the time of variant classification. Additional details can be found in publication PMID: 35346344, PMCID: PMC8962531

AiLife Diagnostics
Classification: Uncertain significance. Last evaluated: 2022-02-18. Review status: criteria provided, single submitter. Criteria: ACMG Guidelines, 2015. Collection method: clinical testing. Allele origin: germline. Affected: yes. Observed: 1 variant allele.

Literature cited by the submitters: PubMed 30165862 (cited by 4 submitters).

NM_004415.4(DSP):c.4696CTGCAG[1] (p.1566LQ[1])

Gene: DSP (desmoplakin; plus strand). Cytogenetic location: 6p24.3.
Variant type: Microsatellite.
Coding change: c.4696CTGCAG[1] on transcript NM_004415.4 (MANE Select); one copy of the 6-base unit CTGCAG starting at c.4696; the reference has two copies in a row; one copy, 6 bases deleted; also written c.4702_4707del.
Protein change: p.1566LQ[1].
Molecular consequence: inframe deletion. On other transcripts: intron variant (2).
Genome position (GRCh38, 1-based): chr6:7,580,892-7,580,897, CTGCAG deleted; deleting any 6 consecutive bases within chr6:7,580,884-7,580,897 gives the same sequence; the position shown is the placement nearest the transcript's 3' end. VCF-style (leftmost placement, unchanged base first): chr6-7580883-GAGCTGC-G. GRCh37 (hg19) VCF-style: chr6-7581116-GAGCTGC-G.
Other names: c.4050+652_4050+657del (NM_001319034.2); c.3582+1120_3582+1125del (NM_001008844.3); c.4702_4707delCTGCAG (NM_004415.2); c.4702_4707del (NM_004415.4).
Identifiers: ClinVar variation 921912 (VCV000921912.9), dbSNP rs1379223945, ClinGen allele CA828145079.